The following is an entry in ClinVar:

NM_001621.5(AHR):c.1604A>G (p.Lys535Arg)

Gene: AHR (aryl hydrocarbon receptor; plus strand). Cytogenetic location: 7p21.1.
Variant type: single nucleotide variant.
Coding change: c.1604A>G on transcript NM_001621.5 (MANE Select); coding-DNA position 1604, A replaced by G.
Protein change: p.Lys535Arg; replaces lysine 535 with arginine.
Molecular consequence: missense variant.
Genome position (GRCh38, 1-based): chr7:17,339,429, A>G. VCF-style: chr7-17339429-A-G. GRCh37 (hg19) VCF-style: chr7-17379053-A-G.
Other names: short protein forms K535R.
Identifiers: ClinVar variation 1421820 (VCV001421820.8), dbSNP rs2115369871, ClinGen allele CA366894603.

ClinVar aggregate classification (germline): Uncertain significance (1 of 4 stars; one submission).

Submission:

Labcorp Genetics (formerly Invitae), Labcorp
Classification: Uncertain significance. Last evaluated: 2020-11-24. Review status: criteria provided, single submitter. Criteria: Invitae Variant Classification Sherloc (09022015). Collection method: clinical testing. Allele origin: germline.
Comment: This sequence change replaces lysine with arginine at codon 535 of the AHR protein (p.Lys535Arg). The lysine residue is moderately conserved and there is a small physicochemical difference between lysine and arginine. This variant is not present in population databases (ExAC no frequency). This variant has not been reported in the literature in individuals with AHR-related conditions. Algorithms developed to predict the effect of missense changes on protein structure and function output the following: SIFT: "Tolerated"; PolyPhen-2: "Benign"; Align-GVGD: "Class C0". The arginine amino acid residue is found in multiple mammalian species, suggesting that this missense change does not adversely affect protein function. These predictions have not been confirmed by published functional studies and their clinical significance is uncertain. In summary, the available evidence is currently insufficient to determine the role of this variant in disease. Therefore, it has been classified as a Variant of Uncertain Significance.